The following is an entry in ClinVar:

ClinVar aggregate classification (germline): Uncertain significance (1 of 4 stars; one submission).

Conditions:
Oligodontia-cancer predisposition syndrome. Also called: TOOTH AGENESIS-COLORECTAL CANCER SYNDROME. Identifiers: Orphanet 300576, MedGen C1837750, MONDO:0012075, OMIM 608615. Disease mechanism: loss of function.

Submission:

Labcorp Genetics (formerly Invitae), Labcorp
Classification: Uncertain significance for Oligodontia-cancer predisposition syndrome. Last evaluated: 2022-10-03. Review status: criteria provided, single submitter. Criteria: Invitae Variant Classification Sherloc (09022015). Collection method: clinical testing. Allele origin: germline.
Comment: This variant has not been reported in the literature in individuals affected with AXIN2-related conditions. ClinVar contains an entry for this variant (Variation ID: 641290). Algorithms developed to predict the effect of missense changes on protein structure and function (SIFT, PolyPhen-2, Align-GVGD) all suggest that this variant is likely to be tolerated. In summary, the available evidence is currently insufficient to determine the role of this variant in disease. Therefore, it has been classified as a Variant of Uncertain Significance. This sequence change replaces valine, which is neutral and non-polar, with isoleucine, which is neutral and non-polar, at codon 730 of the AXIN2 protein (p.Val730Ile). This variant is not present in population databases (gnomAD no frequency).

NM_004655.4(AXIN2):c.2188G>A (p.Val730Ile)

Gene: AXIN2 (axin 2; minus strand). Cytogenetic location: 17q24.1.
Variant type: single nucleotide variant.
Coding change: c.2188G>A on transcript NM_004655.4 (MANE Select); coding-DNA position 2188, G replaced by A.
Protein change: p.Val730Ile; replaces valine 730 with isoleucine.
Molecular consequence: missense variant.
Genome position (GRCh38, 1-based): chr17:65,535,675, C>T on the plus strand (G>A on the coding strand, the complement: AXIN2 is on the minus strand). VCF-style: chr17-65535675-C-T. GRCh37 (hg19) VCF-style: chr17-63531793-C-T.
Other names: c.2188G>A (LRG_296t1); c.1993G>A, p.Val665Ile (NM_001363813.1); short protein forms V665I, V730I.
Identifiers: ClinVar variation 641290 (VCV000641290.8), dbSNP rs776003231, ClinGen allele CA400675790.